The following is an entry in ClinVar:

ClinVar aggregate classification (germline): Pathogenic. Review status: criteria provided, multiple submitters, no conflicts (2 of 4 stars). 5 submissions from 5 submitters: Pathogenic (3). 2 of the submissions do not count toward it. Last evaluated 2025-05-22.

Conditions:
Charcot-Marie-Tooth disease, type I (CMT1). Also called: Charcot-Marie-Tooth disease type 1; Charcot-Marie-Tooth, Type 1. Identifiers: Orphanet 65753, MedGen C0751036, MONDO:0019011.
Dejerine-Sottas disease. Also called: Charcot-Marie-Tooth disease type 3; DEJERINE-SOTTAS NEUROPATHY; Hereditary motor and sensory neuropathy 3; HMSN Type III; HEREDITARY MOTOR AND SENSORY NEUROPATHY TYPE III. Identifiers: Orphanet 64748, MedGen C0011195, MONDO:0007790, OMIM 145900.
DEJERINE-SOTTAS SYNDROME, AUTOSOMAL DOMINANT. Identifiers: MedGen C4016264.

Submissions (5):

Labcorp Genetics (formerly Invitae), Labcorp
Classification: Pathogenic for Charcot-Marie-Tooth disease, type I. Last evaluated: 2025-05-22. Review status: criteria provided, single submitter. Criteria: Invitae Variant Classification Sherloc (09022015). Collection method: clinical testing. Allele origin: germline.
Comment: This sequence change replaces serine, which is neutral and polar, with cysteine, which is neutral and slightly polar, at codon 63 of the MPZ protein (p.Ser63Cys). This variant is not present in population databases (gnomAD no frequency). This missense change has been observed in individual(s) with Dejerine-Sottas syndrome (PMID: 7506095). In at least one individual the variant was observed to be de novo. ClinVar contains an entry for this variant (Variation ID: 14169). Invitae Evidence Modeling of protein sequence and biophysical properties (such as structural, functional, and spatial information, amino acid conservation, physicochemical variation, residue mobility, and thermodynamic stability) indicates that this missense variant is expected to disrupt MPZ protein function with a positive predictive value of 80%. Experimental studies have shown that this missense change affects MPZ function (PMID: 16495463, 20937820). This variant disrupts the p.Ser63 amino acid residue in MPZ. Other variant(s) that disrupt this residue have been determined to be pathogenic (PMID: 7693130, 8835320, 12402337, 22734905). This suggests that this residue is clinically significant, and that variants that disrupt this residue are likely to be disease-causing. For these reasons, this variant has been classified as Pathogenic.

Athena Diagnostics
Classification: Pathogenic. Last evaluated: 2022-10-24. Review status: criteria provided, single submitter. Criteria: Athena Diagnostics Criteria. Collection method: clinical testing. Allele origin: unknown.
Comment: This variant has not been reported in large, multi-ethnic general populations. At least one other missense variant at this codon is considered to be pathogenic or likely pathogenic, suggesting this variant may also cause disease. Assessment of experimental evidence suggests this variant results in abnormal protein function. See PMID: 11935267, 16495463. The variant is located in a region that is considered important for protein function and/or structure.

GeneDx
Classification: Pathogenic. Last evaluated: 2021-06-17. Review status: criteria provided, single submitter. Criteria: GeneDx Variant Classification Process June 2021. Collection method: clinical testing. Allele origin: germline. Affected: yes.
Comment: Published functional studies show that mice carrying the S63C variant develop neuropathy (Wrabetz et al., 2006); Not observed at significant frequency in large population cohorts (Lek et al., 2016); Missense variants in this gene are often considered pathogenic (Stenson et al., 2014); This variant is associated with the following publications: (PMID: 7506095, 16495463, 26310628, 20461396, 27535533, 11935267, 6099985)

OMIM
Classification: Pathogenic for DEJERINE-SOTTAS SYNDROME, AUTOSOMAL DOMINANT. Last evaluated: 1993-11-01. Review status: no assertion criteria provided. Collection method: literature only. Allele origin: germline. Not counted in ClinVar's aggregate classification.

Inherited Neuropathy Consortium
Classification: Uncertain significance for Dejerine-Sottas disease. Review status: no assertion criteria provided. Collection method: literature only. Allele origin: germline. Affected: yes. Not counted in ClinVar's aggregate classification.

Literature cited by the submitters: PubMed 7506095 (cited by 4 submitters); PubMed 16495463 (cited by Labcorp Genetics (formerly Invitae), Labcorp and Athena Diagnostics); PubMed 20937820 (cited by Labcorp Genetics (formerly Invitae), Labcorp and Athena Diagnostics); PubMed 7693130 (cited by Labcorp Genetics (formerly Invitae), Labcorp); PubMed 8835320 (cited by Labcorp Genetics (formerly Invitae), Labcorp); PubMed 12402337 (cited by Labcorp Genetics (formerly Invitae), Labcorp); PubMed 22734905 (cited by Labcorp Genetics (formerly Invitae), Labcorp); PubMed 6099985 (cited by Athena Diagnostics and OMIM); PubMed 21363884 (cited by Athena Diagnostics); PubMed 11935267 (cited by Athena Diagnostics); PubMed 18255032 (cited by Athena Diagnostics); PubMed 20878767 (cited by Athena Diagnostics).

NM_000530.8(MPZ):c.188C>G (p.Ser63Cys)

Gene: MPZ (myelin protein zero; minus strand). Cytogenetic location: 1q23.3.
Variant type: single nucleotide variant.
Coding change: c.188C>G on transcript NM_000530.8 (MANE Select); coding-DNA position 188, C replaced by G.
Protein change: p.Ser63Cys; replaces serine 63 with cysteine.
Molecular consequence: missense variant.
Genome position (GRCh38, 1-based): chr1:161,307,304, G>C on the plus strand (C>G on the coding strand, the complement: MPZ is on the minus strand). VCF-style: chr1-161307304-G-C. GRCh37 (hg19) VCF-style: chr1-161277094-G-C.
Other names: c.188C>G, p.Ser63Cys (LRG_256t1, NM_001315491.2); short protein forms S63C.
Identifiers: ClinVar variation 14169 (VCV000014169.16), dbSNP rs121913585, ClinGen allele CA123796.